The following is an entry in ClinVar:

ClinVar aggregate classification (germline): Likely benign. Review status: criteria provided, multiple submitters, no conflicts (2 of 4 stars). 2 submissions from 2 submitters: Likely benign (2). Last evaluated 2025-01-01.

Conditions:
RYR1-related disorder. Also called: RYR1-related condition; RYR1-related disorders. Identifiers: MedGen CN239331.

Allele frequency attached by ClinVar (database versions not stated): gnomAD exomes below 0.00001; TOPMed below 0.00001.
gnomAD v4.1: 1 of 1,613,990 alleles (0.000062%); highest among the groups gnomAD compares: South Asian, 0.0011%; no homozygotes.

Submissions (2):

CeGaT Center for Human Genetics Tuebingen
Classification: Likely benign. Last evaluated: 2025-01-01. Review status: criteria provided, single submitter. Criteria: CeGaT Center For Human Genetics Tuebingen Variant Classification Criteria Version 2. Collection method: clinical testing. Allele origin: germline. Affected: yes. Observed: 2 variant alleles.
Comment: RYR1: BP4, BP7

Labcorp Genetics (formerly Invitae), Labcorp
Classification: Likely benign for RYR1-related disorder. Last evaluated: 2023-02-22. Review status: criteria provided, single submitter. Criteria: Invitae Variant Classification Sherloc (09022015). Collection method: clinical testing. Allele origin: germline.

NM_000540.3(RYR1):c.5748G>A (p.Gly1916=)

Gene: RYR1 (ryanodine receptor 1; plus strand). Cytogenetic location: 19q13.2.
Variant type: single nucleotide variant.
Coding change: c.5748G>A on transcript NM_000540.3 (MANE Select); coding-DNA position 5748, G replaced by A.
Protein change: p.Gly1916=; no amino-acid change (glycine 1916 retained).
Molecular consequence: synonymous variant.
Genome position (GRCh38, 1-based): chr19:38,489,377, G>A. VCF-style: chr19-38489377-G-A. GRCh37 (hg19) VCF-style: chr19-38980017-G-A.
Other names: c.5748G>A, p.Gly1916= (NM_001042723.2).
Identifiers: ClinVar variation 2909939 (VCV002909939.16), dbSNP rs1969449739, ClinGen allele CA507353809.